The following is an entry in ClinVar:

ClinVar aggregate classification (germline): Uncertain significance (1 of 4 stars; one submission).

Conditions:
Hereditary cancer-predisposing syndrome. Also called: Hereditary Cancer Syndrome; Hereditary neoplastic syndrome; Tumor predisposition; Neoplastic Syndromes, Hereditary. Identifiers: Orphanet 140162, MedGen C0027672, MeSH D009386, MONDO:0015356.

Allele frequency attached by ClinVar (database versions not stated): gnomAD exomes below 0.00001; gnomAD 0.00001; TOPMed 0.00001.

Submission:

Ambry Genetics
Classification: Uncertain significance for Hereditary cancer-predisposing syndrome. Last evaluated: 2024-10-11. Review status: criteria provided, single submitter. Criteria: Ambry Variant Classification Scheme 2023. Collection method: clinical testing. Allele origin: germline.
Comment: The p.A80T variant (also known as c.238G>A), located in coding exon 1 of the GREM1 gene, results from a G to A substitution at nucleotide position 238. The alanine at codon 80 is replaced by threonine, an amino acid with similar properties. This amino acid position is conserved. In addition, the in silico prediction for this alteration is inconclusive. Since supporting evidence is limited at this time, the clinical significance of this alteration remains unclear.

NM_013372.7(GREM1):c.238G>A (p.Ala80Thr)

Gene: GREM1 (gremlin 1, DAN family BMP antagonist; plus strand). Cytogenetic location: 15q13.3.
Variant type: single nucleotide variant.
Coding change: c.238G>A on transcript NM_013372.7 (MANE Select); coding-DNA position 238, G replaced by A.
Protein change: p.Ala80Thr; replaces alanine 80 with threonine.
Molecular consequence: missense variant.
Genome position (GRCh38, 1-based): chr15:32,730,928, G>A. VCF-style: chr15-32730928-G-A. GRCh37 (hg19) VCF-style: chr15-33023129-G-A.
Other names: c.28G>A, p.Ala10Thr (NM_001191322.2); c.115G>A, p.Ala39Thr (NM_001191323.2); c.238G>A, p.Ala80Thr (NM_001368719.1); short protein forms A39T, A10T, A80T.
Identifiers: ClinVar variation 1790549 (VCV001790549.3), dbSNP rs1312888226, ClinGen allele CA391557487.
Genomic context (GRCh38, chr15:32,730,928, plus strand): 5'-CGGGGCCAAGGGCGGGGCACTGCCATGCCCGGGGAGGAGGTGCTGGAGTCCAGCCAAGAG[G>A]CCCTGCATGTGACGGAGCGCAAATACCTGAAGCGAGACTGGTGCAAAACCCAGCCGCTTA-3'
Protein context (NP_037504.1, residues 70-90): GEEVLESSQE[Ala80Thr]LHVTERKYLK